The following is an entry in ClinVar:

ClinVar aggregate classification (germline): Uncertain significance (1 of 4 stars; one submission).

Allele frequency attached by ClinVar (database versions not stated): ExAC 0.00001; gnomAD 0.00002; gnomAD exomes 0.00002; TOPMed 0.00002.
gnomAD v4.1: 30 of 1,614,018 alleles (0.0019%); highest among the groups gnomAD compares: Admixed American, 0.005%; no homozygotes.

Submission:

Labcorp Genetics (formerly Invitae), Labcorp
Classification: Uncertain significance. Last evaluated: 2024-11-11. Review status: criteria provided, single submitter. Criteria: Invitae Variant Classification Sherloc (09022015). Collection method: clinical testing. Allele origin: germline.
Comment: This sequence change replaces arginine, which is basic and polar, with tryptophan, which is neutral and slightly polar, at codon 617 of the ANKZF1 protein (p.Arg617Trp). This variant is present in population databases (rs768432915, gnomAD 0.009%). This variant has not been reported in the literature in individuals affected with ANKZF1-related conditions. ClinVar contains an entry for this variant (Variation ID: 1407418). An algorithm developed to predict the effect of missense changes on protein structure and function (PolyPhen-2) suggests that this variant is likely to be disruptive. In summary, the available evidence is currently insufficient to determine the role of this variant in disease. Therefore, it has been classified as a Variant of Uncertain Significance.

NM_018089.3(ANKZF1):c.1849C>T (p.Arg617Trp)

Gene: ANKZF1 (ankyrin repeat and zinc finger peptidyl tRNA hydrolase 1; plus strand). Cytogenetic location: 2q35.
Variant type: single nucleotide variant.
Coding change: c.1849C>T on transcript NM_018089.3 (MANE Select); coding-DNA position 1849, C replaced by T.
Protein change: p.Arg617Trp; replaces arginine 617 with tryptophan.
Molecular consequence: missense variant.
Genome position (GRCh38, 1-based): chr2:219,235,753, C>T. VCF-style: chr2-219235753-C-T. GRCh37 (hg19) VCF-style: chr2-220100475-C-T.
Other names: c.1849C>T, p.Arg617Trp (NM_001042410.2); c.1219C>T, p.Arg407Trp (NM_001282792.2); short protein forms R617W, R407W.
Identifiers: ClinVar variation 1407418 (VCV001407418.8), dbSNP rs768432915, ClinGen allele CA2121208.